The following is an entry in ClinVar:

NC_000006.12:g.129464290_129464296del

Gene: LAMA2 (laminin subunit alpha 2; plus strand). Cytogenetic location: 6q22.33.
Variant type: Deletion.
Genome position: GRCh38 VCF-style: chr6-129464284-TCTCAGTC-T. GRCh37 (hg19) VCF-style: chr6-129785429-TCTCAGTC-T.
Identifiers: ClinVar variation 2734950 (VCV002734950.3), ClinGen allele CA818843626.

ClinVar aggregate classification (germline): Pathogenic (1 of 4 stars; one submission).

Conditions:
LAMA2-related muscular dystrophy (LAMA2-RD). Also called: Laminin alpha 2-related dystrophy. Identifiers: MedGen C5679788, MONDO:0100228.

Submission:

Labcorp Genetics (formerly Invitae), Labcorp
Classification: Pathogenic for LAMA2-related muscular dystrophy. Last evaluated: 2023-01-06. Review status: criteria provided, single submitter. Criteria: Invitae Variant Classification Sherloc (09022015). Collection method: clinical testing. Allele origin: germline.
Comment: Algorithms developed to predict the effect of sequence changes on RNA splicing suggest that this variant may disrupt the consensus splice site. For these reasons, this variant has been classified as Pathogenic. This sequence change creates a premature translational stop signal (p.Ser2331Argfs*45) in the LAMA2 gene. It is expected to result in an absent or disrupted protein product. Loss-of-function variants in LAMA2 are known to be pathogenic (PMID: 18700894, 32904964). This variant is not present in population databases (gnomAD no frequency). This premature translational stop signal has been observed in individual(s) with clinical features of LAMA2-related conditions (PMID: 20207543).

Literature cited by the submitters: PubMed 18700894; PubMed 32904964; PubMed 20207543.